The following is an entry in ClinVar:

ClinVar aggregate classification (germline): Uncertain significance (1 of 4 stars; one submission).

Conditions:
Geleophysic dysplasia 2 (GPHYSD2). Identifiers: Orphanet 2623, MedGen C3280054, MONDO:0013612, OMIM 614185.
MASS syndrome (OCTD). Also called: MASS PHENOTYPE; OVERLAP CONNECTIVE TISSUE DISEASE. Identifiers: MedGen C1858556, MONDO:0011431, OMIM 604308.
Progeroid and marfanoid aspect-lipodystrophy syndrome. Also called: MARFANOID-PROGEROID-LIPODYSTROPHY SYNDROME; MARFANOID-PROGEROID SYNDROME; MARFAN-PROGEROID-LIPODYSTROPHY SYNDROME; Marfan lipodystrophy syndrome. Identifiers: Orphanet 300382, MedGen C4310796, MONDO:0014831, OMIM 616914.
Weill-Marchesani syndrome 2, dominant. Also called: FBN1-Related Weill-Marchesani Syndrome; Weill-Marchesani Syndrome, Autosomal Dominant. Identifiers: Orphanet 2084, MedGen C1869115, MONDO:0012013, OMIM 608328.
Stiff skin syndrome (SSKS). Identifiers: Orphanet 2833, MedGen C1861456, MONDO:0008492, OMIM 184900.
Acromicric dysplasia (ACMICD). Also called: Acromicric skeletal dysplasia. Identifiers: Orphanet 969, MedGen C0265287, MONDO:0007055, OMIM 102370.
Marfan syndrome (MFS). Also called: MARFAN SYNDROME, TYPE I; Marfan syndrome type 1; Marfan's syndrome; FBN1-Related Marfan Syndrome; Marfan syndrome, classic. Identifiers: Orphanet 284963, Orphanet 558, MedGen C0024796, MONDO:0007947, OMIM 154700.
Ectopia lentis 1, isolated, autosomal dominant (ECTOL1). Identifiers: Orphanet 1885, MedGen C3541518, MONDO:0007514, OMIM 129600.

Submission:

Juno Genomics, Hangzhou Juno Genomics, Inc
Classification: Uncertain significance for Acromicric dysplasia; Ectopia lentis 1, isolated, autosomal dominant; Geleophysic dysplasia 2; Progeroid and marfanoid aspect-lipodystrophy syndrome; Marfan syndrome; MASS syndrome; Stiff skin syndrome; Weill-Marchesani syndrome 2, dominant. Review status: criteria provided, single submitter. Criteria: ACMG Guidelines, 2015. Collection method: clinical testing. Allele origin: germline.
Comment: Absent from controls (or at extremely low frequency if recessive) in Genome Aggregation Database.;Missense variant in a gene that has a low rate of benign missense variation.;Multiple lines of computational evidence support a deleterious effect on the gene or gene product.

NM_000138.5(FBN1):c.4777G>A (p.Glu1593Lys)

Gene: FBN1 (fibrillin 1; minus strand). Cytogenetic location: 15q21.1.
Variant type: single nucleotide variant.
Coding change: c.4777G>A on transcript NM_000138.5 (MANE Select); coding-DNA position 4777, G replaced by A.
Protein change: p.Glu1593Lys; replaces glutamic acid 1593 with lysine.
Molecular consequence: missense variant.
Genome position (GRCh38, 1-based): chr15:48,465,829, C>T on the plus strand (G>A on the coding strand, the complement: FBN1 is on the minus strand). VCF-style: chr15-48465829-C-T. GRCh37 (hg19) VCF-style: chr15-48758026-C-T.
Other names: c.4777G>A, p.Glu1593Lys (NM_001406716.1); short protein forms E1593K.
Identifiers: ClinVar variation 5019331 (VCV005019331.2).
Genomic context (GRCh38, chr15:48,465,829, plus strand): 5'-AGACAAAGGAAACACAATTACCTTCCAATATAACGGTGATAGGATTTGGTCGGAAACCTT[C>T]CCCTCCAGGACAAAGAATTTTGTACTCGGCTATTGAAACAAAAATTCAAATTGAGTTGTT-3'
Protein context (NP_000129.3, residues 1583-1603): SEYKILCPGG[Glu1593Lys]GFRPNPITVI